The following is an entry in ClinVar:

ClinVar aggregate classification (germline): Pathogenic (1 of 4 stars; one submission).

Submission:

Labcorp Genetics (formerly Invitae), Labcorp
Classification: Pathogenic. Last evaluated: 2025-06-12. Review status: criteria provided, single submitter. Criteria: Invitae Variant Classification Sherloc (09022015). Collection method: clinical testing. Allele origin: germline.
Comment: This sequence change replaces glycine, which is neutral and non-polar, with arginine, which is basic and polar, at codon 787 of the COL4A5 protein (p.Gly787Arg). This variant is not present in population databases (gnomAD no frequency). This missense change has been observed in individuals with clinical features of Alport syndrome (PMID: 38978054; internal data). It has also been observed to segregate with disease in related individuals. ClinVar contains an entry for this variant (Variation ID: 1508829). Invitae Evidence Modeling of protein sequence and biophysical properties (such as structural, functional, and spatial information, amino acid conservation, physicochemical variation, residue mobility, and thermodynamic stability) indicates that this missense variant is expected to disrupt COL4A5 protein function with a positive predictive value of 95%. This variant disrupts the triple helix domain of COL4A5. Glycine residues within the Gly-Xaa-Yaa repeats of the triple helix domain are required for the structure and stability of fibrillar collagens (PMID: 7695699, 8218237, 19344236). In COL4A5, missense variants at these glycine residues are significantly enriched in individuals with disease (PMID: 23720012, 27627812) compared to the general population (ExAC). For these reasons, this variant has been classified as Pathogenic.

Literature cited by the submitters: PubMed 38978054; PubMed 7695699; PubMed 8218237; PubMed 19344236; PubMed 23720012; PubMed 27627812.

NM_033380.3(COL4A5):c.2359G>C (p.Gly787Arg)

Gene: COL4A5 (collagen type IV alpha 5 chain; plus strand). Cytogenetic location: Xq22.3.
Variant type: single nucleotide variant.
Coding change: c.2359G>C on transcript NM_033380.3 (MANE Select); coding-DNA position 2359, G replaced by C.
Protein change: p.Gly787Arg; replaces glycine 787 with arginine.
Molecular consequence: missense variant.
Genome position (GRCh38, 1-based): chrX:108,606,856, G>C. VCF-style: chrX-108606856-G-C. GRCh37 (hg19) VCF-style: chrX-107850086-G-C.
Other names: c.2359G>C, p.Gly787Arg (NM_000495.5); short protein forms G787R.
Identifiers: ClinVar variation 1508829 (VCV001508829.8), dbSNP rs1603293605, ClinGen allele CA413849142.
Genomic context (GRCh38, chrX:108,606,856, plus strand): 5'-TTCAAAGGAGCACTTGGTCCAAAAGGTGATCGTGGTTTCCCAGGACCTCCGGGTCCTCCA[G>C]GACGCACTGGCTTAGATGGGCTCCCTGGACCAAAAGGTATGGAGGCTGTCACTGCATCTC-3'
Protein context (NP_203699.1, residues 777-797): RGFPGPPGPP[Gly787Arg]RTGLDGLPGP